The following is an entry in ClinVar:

NM_005902.4(SMAD3):c.1268G>A (p.Ser423Asn)

Gene: SMAD3 (SMAD family member 3; plus strand). Cytogenetic location: 15q22.33.
Variant type: single nucleotide variant.
Coding change: c.1268G>A on transcript NM_005902.4 (MANE Select); coding-DNA position 1268, G replaced by A.
Protein change: p.Ser423Asn; replaces serine 423 with asparagine.
Molecular consequence: missense variant.
Genome position (GRCh38, 1-based): chr15:67,190,526, G>A. VCF-style: chr15-67190526-G-A. GRCh37 (hg19) VCF-style: chr15-67482864-G-A.
Other names: c.953G>A, p.Ser318Asn (NM_001145102.2); c.1136G>A, p.Ser379Asn (NM_001145103.2); c.683G>A, p.Ser228Asn (NM_001145104.2); short protein forms S423N, S228N, S318N, S379N.
Identifiers: ClinVar variation 449264 (VCV000449264.16), dbSNP rs1555414503, ClinGen allele CA392959033.
Genomic context (GRCh38, chr15:67,190,526, plus strand): 5'-CTTTGCAGTGGCTTGACAAGGTCCTCACCCAGATGGGCTCCCCAAGCATCCGCTGTTCCA[G>A]TGTGTCTTAGAGACATCAAGTATGGTAGGGGAGGGCAGGCTTGGGGAAAATGGCCATGCA-3'
Protein context (NP_005893.1, residues 413-425): QMGSPSIRCS[Ser423Asn]VS

ClinVar aggregate classification (germline): Conflicting classifications of pathogenicity. Review status: criteria provided, conflicting classifications (1 of 4 stars). 5 submissions from 5 submitters: Pathogenic (1); Likely pathogenic (3); Uncertain significance (1). Last evaluated 2026-07-02.

Conditions:
Familial thoracic aortic aneurysm and aortic dissection (TAAD). Also called: Thoracic aortic aneurysms and dissections. Identifiers: Orphanet 91387, MedGen C4707243, MONDO:0019625.
Aneurysm-osteoarthritis syndrome. Also called: Loeys-Dietz syndrome, type 1C; LOEYS-DIETZ SYNDROME WITH OSTEOARTHRITIS; SMAD3-Related Loeys-Dietz Syndrome; ANEURYSMS-OSTEOARTHRITIS SYNDROME. Identifiers: Orphanet 284984, MedGen C3151087, MONDO:0013426, OMIM 613795.

Submissions (5):

Ambry Genetics
Classification: Uncertain significance for Familial thoracic aortic aneurysm and aortic dissection. Last evaluated: 2026-07-02. Review status: criteria provided, single submitter. Criteria: Ambry Variant Classification Scheme 2023. Collection method: clinical testing. Allele origin: germline.
Comment: The p.S423N variant (also known as c.1268G>A), located in coding exon 9 of the SMAD3 gene, results from a G to A substitution at nucleotide position 1268. The serine at codon 423 is replaced by asparagine, an amino acid with highly similar properties, and is located in the MH2 domain. This alteration was reported in association with Loeys-Dietz syndrome (Schepers D et al. Hum. Mutat., 2018 05;39:621-634). Other alterations affecting the same amino acid, p.S423R (c.1269T>G) and p.S423G (c.1267A>G), has been reported in association with SMAD3- related disease (Aubart M et al. PLoS ONE, 2014 May;9:e96387; Zhurayev R et al. Genet Res (Camb), 2016 10;98:e13). This amino acid position is highly conserved in available vertebrate species. In addition, the in silico prediction for this alteration is inconclusive. Since supporting evidence is limited at this time, the clinical significance of this alteration remains unclear.

Labcorp Genetics (formerly Invitae), Labcorp
Classification: Likely pathogenic for Familial thoracic aortic aneurysm and aortic dissection. Last evaluated: 2024-03-11. Review status: criteria provided, single submitter. Criteria: Invitae Variant Classification Sherloc (09022015). Collection method: clinical testing. Allele origin: germline.
Comment: This sequence change replaces serine, which is neutral and polar, with asparagine, which is neutral and polar, at codon 423 of the SMAD3 protein (p.Ser423Asn). This variant is not present in population databases (gnomAD no frequency). This missense change has been observed in individual(s) with clinical features of Loeys-Dietz syndrome (PMID: 29392890; external communication). In at least one individual the variant was observed to be de novo. ClinVar contains an entry for this variant (Variation ID: 449264). Advanced modeling of protein sequence and biophysical properties (such as structural, functional, and spatial information, amino acid conservation, physicochemical variation, residue mobility, and thermodynamic stability) performed at Invitae indicates that this missense variant is not expected to disrupt SMAD3 protein function with a negative predictive value of 95%. This variant disrupts the p.Ser423 amino acid residue in SMAD3. Other variant(s) that disrupt this residue have been observed in individuals with SMAD3-related conditions (PMID: 30661052, 34122524, 35753512), which suggests that this may be a clinically significant amino acid residue. In summary, the currently available evidence indicates that the variant is pathogenic, but additional data are needed to prove that conclusively. Therefore, this variant has been classified as Likely Pathogenic.

National Institute of Allergy and Infectious Diseases - Centralized Sequencing Program, National Institutes of Health
Classification: Likely pathogenic for Loeys-Dietz syndrome 3. Last evaluated: 2021-08-06. Review status: criteria provided, single submitter. Criteria: ACMG Guidelines, 2015. Collection method: clinical testing. Allele origin: germline. Affected: yes.

Victorian Clinical Genetics Services, Murdoch Childrens Research Institute
Classification: Pathogenic for Aneurysm-osteoarthritis syndrome. Last evaluated: 2020-07-02. Review status: criteria provided, single submitter. Criteria: ACMG Guidelines, 2015. Collection method: clinical testing. Allele origin: germline. Inheritance: Autosomal dominant inheritance. Affected: yes.
Comment: Based on the classification scheme VCGS_Germline_v1.3.3, this variant is classified as Pathogenic. Following criteria are met: 0102 - Loss of function is a known mechanism of disease in this gene and is associated with Loeys-Dietz syndrome 3. (I) 0107 - This gene is associated with autosomal dominant disease. (I) 0200 - Variant is predicted to result in a missense amino acid change from serine to asparagine. (I) 0251 - This variant is heterozygous. (I) 0301 - Variant is absent from gnomAD (both v2 and v3). (SP) 0501 - Missense variant consistently predicted to be damaging by multiple in silico tools or highly conserved with a major amino acid change. (SP) 0603 - Missense variant in a region that is highly intolerant to missense variation (high constraint region in DECIPHER). This variant is found within the MH2 domain (PMID: 29392890). (SP) 0704 - Other missense variants comparable to the one identified in this case have limited previous evidence for pathogenicity. An alternative missense variant at the same residue (p.Ser423Arg) has been reported as a VUS and observed in a patient with Marfan syndrome, who had an additional variant in FBN1 (ClinVar, PMID: 27724990). Another missense variant (p.Ser423Gly) has been reported as likely pathogenic in two patients with Marfan-like syndrome and Loeys-Dietz syndrome (PMID: 29392890, PMID: 24804794). (SP) 0801 - This variant has strong previous evidence of pathogenicity in unrelated individuals. This variant has been reported as de novo, in two patients with Loeys-Dietz syndrome and thoracic aortic aneurysms and dissections (ClinVar, PMID: 29392890). (SP) 0905 - No published segregation evidence has been identified for this variant. (I) 1007 - No published functional evidence has been identified for this variant. (I) 1208 - Inheritance information for this variant is not currently available in this individual. (I) Legend: (SP) - Supporting pathogenic, (I) - Information, (SB) - Supporting benign

GeneDx
Classification: Likely pathogenic. Last evaluated: 2017-09-15. Review status: criteria provided, single submitter. Criteria: GeneDx Variant Classification (06012015). Collection method: clinical testing. Allele origin: germline. Affected: yes.
Comment: The S423N variant that is likely pathogenic was identified in the SMAD3 gene. It has not been published as pathogenic or been reported as benign to our knowledge. The S423N variant is not observed in large population cohorts (Lek et al., 2016; 1000 Genomes Consortium et al., 2015; Exome Variant Server). Although the S423N variant is a conservative amino acid substitution, which is not likely to impact secondary protein structure as these residues share similar properties, it occurs at a position that is conserved across species. Moreover, in silico analysis predicts this variant is probably damaging to the protein structure/function. A missense variant in the same residue (S423G) has been reported in the Human Gene Mutation Database in association with AOS (Stenson et al., 2014); however, the pathogenicity of this variant has not been definitively determined.

Literature cited by the submitters: PubMed 29392890 (cited by 3 submitters); PubMed 30661052 (cited by Labcorp Genetics (formerly Invitae), Labcorp); PubMed 34122524 (cited by Labcorp Genetics (formerly Invitae), Labcorp); PubMed 35753512 (cited by Labcorp Genetics (formerly Invitae), Labcorp); PubMed 24804794 (cited by Victorian Clinical Genetics Services, Murdoch Childrens Research Institute); PubMed 27724990 (cited by Victorian Clinical Genetics Services, Murdoch Childrens Research Institute).